The following is an entry in ClinVar:

ClinVar aggregate classification (germline): Uncertain significance (1 of 4 stars; one submission).

Conditions:
Noonan syndrome 8 (NS8). Identifiers: Orphanet 648, MedGen C3809233, MONDO:0014143, OMIM 615355.

Allele frequency attached by ClinVar (database versions not stated): gnomAD exomes below 0.00001 and 0.00001.

Submission:

Labcorp Genetics (formerly Invitae), Labcorp
Classification: Uncertain significance for Noonan syndrome 8. Last evaluated: 2024-01-29. Review status: criteria provided, single submitter. Criteria: Invitae Variant Classification Sherloc (09022015). Collection method: clinical testing. Allele origin: germline.
Comment: This sequence change falls in intron 4 of the RIT1 gene. It does not directly change the encoded amino acid sequence of the RIT1 protein. It affects a nucleotide within the consensus splice site. This variant is present in population databases (no rsID available, gnomAD no frequency). This variant has not been reported in the literature in individuals affected with RIT1-related conditions. ClinVar contains an entry for this variant (Variation ID: 1447698). Variants that disrupt the consensus splice site are a relatively common cause of aberrant splicing (PMID: 17576681, 9536098). Algorithms developed to predict the effect of sequence changes on RNA splicing suggest that this variant may create or strengthen a splice site. In summary, the available evidence is currently insufficient to determine the role of this variant in disease. Therefore, it has been classified as a Variant of Uncertain Significance.

Literature cited by the submitters: PubMed 17576681; PubMed 9536098.

NM_006912.6(RIT1):c.238-2dup

Gene: RIT1 (Ras like without CAAX 1; minus strand). Cytogenetic location: 1q22.
Variant type: Duplication.
Coding change: c.238-2dup on transcript NM_006912.6 (MANE Select); the canonical splice acceptor site of the intron before coding-DNA position 238, one base duplicated (A; older notation c.238-2dupA).
Molecular consequence: splice acceptor variant.
Genome position (GRCh38, 1-based): chr1:155,904,504, T duplicated on the plus strand (A on the coding strand, the reverse complement: RIT1 is on the minus strand). VCF-style (leftmost placement, unchanged base first): chr1-155904503-C-CT. GRCh37 (hg19) VCF-style: chr1-155874294-C-CT.
Other names: c.130-2dup (NM_001256820.2); c.289-2dup (NM_001256821.2).
Identifiers: ClinVar variation 1447698 (VCV001447698.7), dbSNP rs1298539810, ClinGen allele CA526670250.